The following is an entry in ClinVar:

ClinVar aggregate classification (germline): Uncertain significance (0 of 4 stars; one submission).

Conditions:
NPHP3-related disorder. Also called: NPHP3-related disorders; NPHP3-related condition. Identifiers: MedGen CN379163.

gnomAD v4.1: 1 of 1,614,042 alleles (0.000062%); highest among the groups gnomAD compares: South Asian, 0.0011%; no homozygotes.

Submission:

PreventionGenetics, part of Exact Sciences
Classification: Uncertain significance for NPHP3-related condition. Last evaluated: 2024-07-10. Review status: no assertion criteria provided. Collection method: clinical testing. Allele origin: germline.
Comment: The NPHP3 c.3388G>A variant is predicted to result in the amino acid substitution p.Asp1130Asn. To our knowledge, this variant has not been reported in the literature or in a large population database, indicating this variant is rare. At this time, the clinical significance of this variant is uncertain due to the absence of conclusive functional and genetic evidence.

NM_153240.5(NPHP3):c.3388G>A (p.Asp1130Asn)

Genes: NPHP3 (nephrocystin 3; minus strand), NPHP3-ACAD11 (NPHP3-ACAD11 readthrough (NMD candidate); minus strand). Cytogenetic location: 3q22.1.
Variant type: single nucleotide variant.
Coding change: c.3388G>A on transcript NM_153240.5 (MANE Select); coding-DNA position 3388, G replaced by A.
Protein change: p.Asp1130Asn; replaces aspartic acid 1130 with asparagine.
Molecular consequence: missense variant. On other transcripts: non-coding transcript variant (1).
Genome position (GRCh38, 1-based): chr3:132,684,736, C>T on the plus strand (G>A on the coding strand, the complement: NPHP3 is on the minus strand). VCF-style: chr3-132684736-C-T. GRCh37 (hg19) VCF-style: chr3-132403580-C-T.
Other names: short protein forms D1130N.
Identifiers: ClinVar variation 3344543 (VCV003344543.1).
Genomic context (GRCh38, chr3:132,684,736, plus strand): 5'-GTTTCTTTTCATTGCATAGAGCTGCCAGATTATTCAAAGACTGAGCACAGTCAGGGTGAT[C>T]TGGTCCTAGAACTCGCTCCCTCATTTCTAAGGAACGCTTCAGAAACTGGTCAGCTGTTCT-3'
Protein context (NP_694972.3, residues 1120-1140): LEMRERVLGP[Asp1130Asn]HPDCAQSLNN